The following is an entry in ClinVar:

NM_000070.3(CAPN3):c.1838A>G (p.Lys613Arg)

Gene: CAPN3 (calpain 3; plus strand). Cytogenetic location: 15q15.1.
Variant type: single nucleotide variant.
Coding change: c.1838A>G on transcript NM_000070.3 (MANE Select); coding-DNA position 1838, A replaced by G.
Protein change: p.Lys613Arg; replaces lysine 613 with arginine.
Molecular consequence: missense variant. On other transcripts: intron variant (3).
Genome position (GRCh38, 1-based): chr15:42,408,248, A>G. VCF-style: chr15-42408248-A-G. GRCh37 (hg19) VCF-style: chr15-42700446-A-G.
Other names: c.1820A>G, p.Lys607Arg (NM_024344.2); c.302A>G, p.Lys101Arg (NM_173088.2); c.1639-1055A>G (NM_173087.2); c.-81-1055A>G (NM_173090.2, NM_173089.2); short protein forms K101R, K607R, K613R.
Identifiers: ClinVar variation 4605377 (VCV004605377.2).
Genomic context (GRCh38, chr15:42,408,248, plus strand): 5'-TGCCTCCTCCCTCCTCTCTCCAGCCCATCATCTTCGTTTCGGACAGAGCAAACAGCAACA[A>G]GGAGCTGGGTGTGGACCAGGAGTCAGAGGAGGGCAAAGGCAAAACAAGCCCTGATAAGCA-3'
Protein context (NP_000061.1, residues 603-623): IFVSDRANSN[Lys613Arg]ELGVDQESEE

ClinVar aggregate classification (germline): Uncertain significance. Review status: criteria provided, multiple submitters, no conflicts (2 of 4 stars). 2 submissions from 2 submitters: Uncertain significance (2). Last evaluated 2025-11-11.

Conditions:
Autosomal recessive limb-girdle muscular dystrophy type 2A (LGMDR1). Also called: Muscular dystrophy, limb-girdle, type 2A, Amish; LEYDEN-MOEBIUS MUSCULAR DYSTROPHY; MUSCULAR DYSTROPHY, PELVOFEMORAL; Limb-girdle muscular dystrophy, type 2A; Calpainopathy. Identifiers: Orphanet 267, MedGen C1869123, MONDO:0009675, OMIM 253600. Disease mechanism: loss of function.
Inborn genetic diseases. Identifiers: MedGen C0950123, MeSH D030342.

gnomAD v4.1: 11 of 1,613,718 alleles (0.00068%); highest among the groups gnomAD compares: African/African-American, 0.013%; no homozygotes.

Submissions (2):

Labcorp Genetics (formerly Invitae), Labcorp
Classification: Uncertain significance for Autosomal recessive limb-girdle muscular dystrophy type 2A. Last evaluated: 2025-11-11. Review status: criteria provided, single submitter. Criteria: Invitae Variant Classification Sherloc (09022015). Collection method: clinical testing. Allele origin: germline.
Comment: This sequence change replaces lysine, which is basic and polar, with arginine, which is basic and polar, at codon 613 of the CAPN3 protein (p.Lys613Arg). This variant is present in population databases (rs766012071, gnomAD 0.01%). This variant has not been reported in the literature in individuals affected with CAPN3-related conditions. An algorithm developed to predict the effect of missense changes on protein structure and function outputs the following: PolyPhen-2: "Benign". The arginine amino acid residue is found in multiple mammalian species, which suggests that this missense change does not adversely affect protein function. Algorithms developed to predict the effect of sequence changes on RNA splicing suggest that this variant may disrupt the consensus splice site. In summary, the available evidence is currently insufficient to determine the role of this variant in disease. Therefore, it has been classified as a Variant of Uncertain Significance.

Ambry Genetics
Classification: Uncertain significance for Inborn genetic diseases. Last evaluated: 2025-10-14. Review status: criteria provided, single submitter. Criteria: Ambry Variant Classification Scheme 2023. Collection method: clinical testing. Allele origin: germline.